The following is an entry in ClinVar:

ClinVar aggregate classification (germline): Uncertain significance (1 of 4 stars; one submission).

Conditions:
Ataxia-telangiectasia-like disorder (ATLD). Identifiers: MedGen C1858391, MONDO:0011457.

Submission:

Labcorp Genetics (formerly Invitae), Labcorp
Classification: Uncertain significance for Ataxia-telangiectasia-like disorder. Last evaluated: 2026-01-16. Review status: criteria provided, single submitter. Criteria: Invitae Variant Classification Sherloc (09022015). Collection method: clinical testing. Allele origin: germline.
Comment: This sequence change replaces asparagine, which is neutral and polar, with serine, which is neutral and polar, at codon 583 of the MRE11 protein (p.Asn583Ser). This variant is not present in population databases (gnomAD no frequency). This variant has not been reported in the literature in individuals affected with MRE11-related conditions. An algorithm developed to predict the effect of missense changes on protein structure and function outputs the following: PolyPhen-2: "Benign". The serine amino acid residue is found in multiple mammalian species, which suggests that this missense change does not adversely affect protein function. In summary, the available evidence is currently insufficient to determine the role of this variant in disease. Therefore, it has been classified as a Variant of Uncertain Significance.

NM_005591.4(MRE11):c.1748A>G (p.Asn583Ser)

Gene: MRE11 (MRE11 double strand break repair nuclease; minus strand). Cytogenetic location: 11q21.
Variant type: single nucleotide variant.
Coding change: c.1748A>G on transcript NM_005591.4 (MANE Select); coding-DNA position 1748, A replaced by G.
Protein change: p.Asn583Ser; replaces asparagine 583 with serine.
Molecular consequence: missense variant.
Genome position (GRCh38, 1-based): chr11:94,447,254, T>C on the plus strand (A>G on the coding strand, the complement: MRE11 is on the minus strand). VCF-style: chr11-94447254-T-C. GRCh37 (hg19) VCF-style: chr11-94180420-T-C.
Other names: c.1748A>G, p.Asn583Ser (NM_001330347.2, NM_001440460.1, NM_001440461.1 and 10 more transcripts); c.1685A>G, p.Asn562Ser (NM_001440467.1, NM_001440468.1, NM_001440469.1 and 2 more transcripts); c.1673A>G, p.Asn558Ser (NM_001440471.1, NM_001440472.1); c.1667A>G, p.Asn556Ser (NM_001440473.1, NM_001440477.1, NM_001440478.1); c.1610A>G, p.Asn537Ser (NM_001440479.1); c.1403A>G, p.Asn468Ser (NM_001440482.1, NM_001440483.1, NM_001440484.1); c.1280A>G, p.Asn427Ser (NM_001440485.1, NM_001440486.1, NM_001440487.1); short protein forms N562S, N468S, N556S, N583S, N537S, N558S, N427S.
Identifiers: ClinVar variation 4729374 (VCV004729374.1).